The following is an entry in ClinVar:

ClinVar aggregate classification (germline): Uncertain significance. Review status: criteria provided, multiple submitters, no conflicts (2 of 4 stars). 2 submissions from 2 submitters: Uncertain significance (2). Last evaluated 2025-10-25.

Conditions:
Inborn genetic diseases. Identifiers: MedGen C0950123, MeSH D030342.

gnomAD v4.1: 5 of 1,614,176 alleles (0.00031%); highest among the groups gnomAD compares: African/African-American, 0.004%; no homozygotes.

Submissions (2):

Ambry Genetics
Classification: Uncertain significance for Inborn genetic diseases. Last evaluated: 2025-10-25. Review status: criteria provided, single submitter. Criteria: Ambry Variant Classification Scheme 2023. Collection method: clinical testing. Allele origin: germline.

Labcorp Genetics (formerly Invitae), Labcorp
Classification: Uncertain significance. Last evaluated: 2021-12-07. Review status: criteria provided, single submitter. Criteria: Invitae Variant Classification Sherloc (09022015). Collection method: clinical testing. Allele origin: germline.
Comment: In summary, the available evidence is currently insufficient to determine the role of this variant in disease. Therefore, it has been classified as a Variant of Uncertain Significance. This sequence change replaces proline, which is neutral and non-polar, with alanine, which is neutral and non-polar, at codon 80 of the COQ9 protein (p.Pro80Ala). This variant is present in population databases (no rsID available, gnomAD 0.007%). This variant has not been reported in the literature in individuals affected with COQ9-related conditions. Algorithms developed to predict the effect of missense changes on protein structure and function (SIFT, PolyPhen-2, Align-GVGD) all suggest that this variant is likely to be tolerated.

NM_020312.4(COQ9):c.238C>G (p.Pro80Ala)

Gene: COQ9 (coenzyme Q9; plus strand). Cytogenetic location: 16q21.
Variant type: single nucleotide variant.
Coding change: c.238C>G on transcript NM_020312.4 (MANE Select); coding-DNA position 238, C replaced by G.
Protein change: p.Pro80Ala; replaces proline 80 with alanine.
Molecular consequence: missense variant.
Genome position (GRCh38, 1-based): chr16:57,451,204, C>G. VCF-style: chr16-57451204-C-G. GRCh37 (hg19) VCF-style: chr16-57485116-C-G.
Other names: c.238C>G (NM_020312.3); short protein forms P80A.
Identifiers: ClinVar variation 1926430 (VCV001926430.6), dbSNP rs1366599130, ClinGen allele CA396026846.